The following is an entry in ClinVar:

ClinVar aggregate classification (germline): Likely pathogenic (1 of 4 stars; one submission).

gnomAD v4.1: 1 of 1,613,854 alleles (0.000062%); highest among the groups gnomAD compares: Non-Finnish European, 0.000085%; no homozygotes.

Submission:

GeneDx
Classification: Likely pathogenic. Last evaluated: 2026-03-20. Review status: criteria provided, single submitter. Criteria: GeneDx Variant Classification Process June 2021. Collection method: clinical testing. Allele origin: germline.
Comment: Not observed at significant frequency in large population cohorts (gnomAD); In silico analysis supports that this missense variant has a deleterious effect on protein structure/function; This variant is associated with the following publications: (PMID: 38951485, 36454652)

NM_006565.4(CTCF):c.1696C>T (p.Arg566Cys)

Gene: CTCF (CCCTC-binding factor; plus strand). Cytogenetic location: 16q22.1.
Variant type: single nucleotide variant.
Coding change: c.1696C>T on transcript NM_006565.4 (MANE Select); coding-DNA position 1696, C replaced by T.
Protein change: p.Arg566Cys; replaces arginine 566 with cysteine.
Molecular consequence: missense variant.
Genome position (GRCh38, 1-based): chr16:67,628,547, C>T. VCF-style: chr16-67628547-C-T. GRCh37 (hg19) VCF-style: chr16-67662450-C-T.
Other names: c.712C>T, p.Arg238Cys (NM_001191022.2); c.1696C>T, p.Arg566Cys (NM_001363916.2, NM_001438968.1, NM_001438969.1); short protein forms R238C, R566C.
Identifiers: ClinVar variation 4795461 (VCV004795461.2).
Genomic context (GRCh38, chr16:67,628,547, plus strand): 5'-CACGACCCCAACTTCGTCCCTGCGGCTTTTGTCTGTTCTAAGTGTGGGAAAACATTTACA[C>T]GTCGGGTAAGGGTCAGAACTTCACTTTGCCTGTTATGATACTGAATATTGGATTTTTGGT-3'
Protein context (NP_006556.1, residues 556-576): VCSKCGKTFT[Arg566Cys]RNTMARHADN